The following is an entry in ClinVar:

NM_003482.4(KMT2D):c.4162C>T (p.Arg1388Trp)

Gene: KMT2D (lysine methyltransferase 2D; minus strand). Cytogenetic location: 12q13.12.
Variant type: single nucleotide variant.
Coding change: c.4162C>T on transcript NM_003482.4 (MANE Select); coding-DNA position 4162, C replaced by T.
Protein change: p.Arg1388Trp; replaces arginine 1388 with tryptophan.
Molecular consequence: missense variant.
Genome position (GRCh38, 1-based): chr12:49,048,039, G>A on the plus strand (C>T on the coding strand, the complement: KMT2D is on the minus strand). VCF-style: chr12-49048039-G-A. GRCh37 (hg19) VCF-style: chr12-49441822-G-A.
Other names: short protein forms R1388W.
Identifiers: ClinVar variation 1254740 (VCV001254740.6), dbSNP rs767110613, ClinGen allele CA236615325.

ClinVar aggregate classification (germline): Likely benign. Review status: criteria provided, multiple submitters, no conflicts (2 of 4 stars). 3 submissions from 3 submitters: Likely benign (3). Last evaluated 2025-04-30.

Conditions:
KMT2D-related disorder. Also called: KMT2D-Related Disorders.
Kabuki syndrome. Also called: Kabuki make-up syndrome; NIIKAWA-KUROKI SYNDROME. Identifiers: Orphanet 2322, MedGen C0796004, MONDO:0016512.

Allele frequency attached by ClinVar (database versions not stated): gnomAD exomes below 0.00001; TOPMed below 0.00001; gnomAD 0.00002.
gnomAD v4.1: 26 of 1,609,036 alleles (0.0016%); highest among the groups gnomAD compares: African/African-American, 0.0027%; no homozygotes.

Submissions (3):

PreventionGenetics, part of Exact Sciences
Classification: Likely benign for KMT2D-related condition. Last evaluated: 2025-04-30. Review status: criteria provided, single submitter. Criteria: ACMG Guidelines, 2015. Collection method: clinical testing. Allele origin: germline.
Comment: This variant is classified as likely benign based on ACMG/AMP sequence variant interpretation guidelines (Richards et al. 2015 PMID: 25741868, with internal and published modifications).

Labcorp Genetics (formerly Invitae), Labcorp
Classification: Likely benign for Kabuki syndrome. Last evaluated: 2025-02-25. Review status: criteria provided, single submitter. Criteria: Invitae Variant Classification Sherloc (09022015). Collection method: clinical testing. Allele origin: germline.

GeneDx
Classification: Likely benign. Last evaluated: 2021-01-29. Review status: criteria provided, single submitter. Criteria: GeneDx Variant Classification Process June 2021. Collection method: clinical testing. Allele origin: germline. Affected: yes.
Comment: In silico analysis supports that this missense variant has a deleterious effect on protein structure/function; Missense variants in nearby residues reported in the Human Gene Mutation Database (Stenson et al., 2014); Has not been previously published as pathogenic or benign to our knowledge